The following is an entry in ClinVar:

ClinVar aggregate classification (germline): Uncertain significance. Review status: criteria provided, multiple submitters, no conflicts (2 of 4 stars). 2 submissions from 2 submitters: Uncertain significance (2). Last evaluated 2023-08-20.

Conditions:
TG-related disorder. Also called: TG-related condition; TG-related disorders.
Inborn genetic diseases. Identifiers: MedGen C0950123, MeSH D030342.

Allele frequency attached by ClinVar (database versions not stated): gnomAD exomes 0.00001; ExAC 0.00007; 1000 Genomes Project 30x 0.00016; gnomAD 0.00019; 1000 Genomes Project 0.00020; ESP Exome Variant Server 0.00031; TOPMed 0.00038.
gnomAD v4.1: 49 of 1,611,592 alleles (0.003%); highest among the groups gnomAD compares: African/African-American, 0.039%; no homozygotes.

Submissions (2):

Ambry Genetics
Classification: Uncertain significance for Inborn genetic diseases. Last evaluated: 2023-08-20. Review status: criteria provided, single submitter. Criteria: Ambry Variant Classification Scheme 2023. Collection method: clinical testing. Allele origin: germline.

PreventionGenetics, part of Exact Sciences
Classification: Uncertain significance for TG-related condition. Last evaluated: 2022-10-14. Review status: criteria provided, single submitter. Criteria: ACMG Guidelines, 2015. Collection method: clinical testing. Allele origin: germline.
Comment: The TG c.2719G>C variant is predicted to result in the amino acid substitution p.Glu907Gln. To our knowledge, this variant has not been reported in the literature. This variant is reported in 0.052% of alleles in individuals of African descent in gnomAD. At this time, the clinical significance of this variant is uncertain due to the absence of conclusive functional and genetic evidence.

NM_003235.5(TG):c.2719G>C (p.Glu907Gln)

Gene: TG (thyroglobulin; plus strand). Cytogenetic location: 8q24.22.
Variant type: single nucleotide variant.
Coding change: c.2719G>C on transcript NM_003235.5 (MANE Select); coding-DNA position 2719, G replaced by C.
Protein change: p.Glu907Gln; replaces glutamic acid 907 with glutamine.
Molecular consequence: missense variant.
Genome position (GRCh38, 1-based): chr8:132,888,526, G>C. VCF-style: chr8-132888526-G-C. GRCh37 (hg19) VCF-style: chr8-133900771-G-C.
Other names: short protein forms E907Q.
Identifiers: ClinVar variation 2597616 (VCV002597616.3), dbSNP rs151134187, ClinGen allele CA4883458.